The following is an entry in ClinVar:

NM_000297.4(PKD2):c.423_430dup (p.Tyr144fs)

Genes: PKD2 (polycystin 2, transient receptor potential cation channel; plus strand), LOC129992813 (ATAC-STARR-seq lymphoblastoid silent region 15559; plus strand). Cytogenetic location: 4q22.1.
Variant type: Duplication.
Coding change: c.423_430dup on transcript NM_000297.4 (MANE Select); coding-DNA positions 423 to 430, 8 bases duplicated (TGGGGGCT; older notation c.423_430dupTGGGGGCT).
Protein change: p.Tyr144fs; shifts the reading frame from tyrosine 144.
Molecular consequence: frameshift variant. On other transcripts: non-coding transcript variant (1).
Genome position (GRCh38, 1-based): chr4:88,008,156-88,008,163, TGGGGGCT duplicated; duplicating any 8 consecutive bases within chr4:88,008,149-88,008,163 gives the same sequence; the c. name uses the placement nearest the transcript's 3' end. VCF-style (leftmost placement, unchanged base first): chr4-88008148-C-CGGGGGCTT. GRCh37 (hg19) VCF-style: chr4-88929300-C-CGGGGGCTT.
Other names: short protein forms Y144fs.
Identifiers: ClinVar variation 3235194 (VCV003235194.1), dbSNP rs2476358222.

ClinVar aggregate classification (germline): Pathogenic (1 of 4 stars; one submission).

Conditions:
Polycystic kidney disease 2 (PKD2). Also called: Polycystic Kidney Disease 2, Autosomal Dominant; POLYCYSTIC KIDNEY DISEASE 2 WITH OR WITHOUT POLYCYSTIC LIVER DISEASE; POLYCYSTIC KIDNEY DISEASE, ADULT, TYPE II. Identifiers: MedGen C2751306, MONDO:0013131, OMIM 613095.

Submission:

MVZ Medizinische Genetik Mainz
Classification: Pathogenic for Polycystic kidney disease 2. Last evaluated: 2022-08-12. Review status: criteria provided, single submitter. Criteria: UK Practice Guidelines For Variant Classification V4 01 2020. Collection method: clinical testing. Allele origin: germline. Inheritance: Autosomal dominant inheritance. Affected: yes. Observed: 2 variant alleles.
Comment: ACMG Criteria: PVS1, PM2_SUP, PP4